The following is an entry in ClinVar:

ClinVar aggregate classification (germline): Conflicting classifications of pathogenicity. Review status: criteria provided, conflicting classifications (1 of 4 stars). 2 submissions from 2 submitters: Uncertain significance (1); Likely benign (1). Last evaluated 2026-01-26.

Conditions:
Hypertrophic cardiomyopathy 19. Also called: Familial hypertrophic cardiomyopathy 19. Identifiers: MedGen CN077603, MONDO:0013476.

Allele frequency attached by ClinVar (database versions not stated): ExAC 0.00004; gnomAD exomes 0.00005; TOPMed 0.00015; gnomAD 0.00026.
gnomAD v4.1: 93 of 1,613,978 alleles (0.0058%); highest among the groups gnomAD compares: Non-Finnish European, 0.0069%; no homozygotes.

Submissions (2):

Labcorp Genetics (formerly Invitae), Labcorp
Classification: Uncertain significance for Hypertrophic cardiomyopathy 19. Last evaluated: 2026-01-26. Review status: criteria provided, single submitter. Criteria: Invitae Variant Classification Sherloc (09022015). Collection method: clinical testing. Allele origin: germline.
Comment: This sequence change falls in intron 6 of the CALR3 gene. It does not directly change the encoded amino acid sequence of the CALR3 protein. It affects a nucleotide within the consensus splice site. This variant is present in population databases (rs201265595, gnomAD 0.01%). This variant has not been reported in the literature in individuals affected with CALR3-related conditions. ClinVar contains an entry for this variant (Variation ID: 575883). Variants that disrupt the consensus splice site are a relatively common cause of aberrant splicing (PMID: 17576681, 9536098). Algorithms developed to predict the effect of sequence changes on RNA splicing suggest that this variant may disrupt the consensus splice site. In summary, the available evidence is currently insufficient to determine the role of this variant in disease. Therefore, it has been classified as a Variant of Uncertain Significance.

Blueprint Genetics
Classification: Likely benign. Last evaluated: 2024-09-19. Review status: criteria provided, single submitter. Criteria: ACMG Guidelines, 2015. Collection method: clinical testing. Allele origin: germline.

Literature cited by the submitters: PubMed 17576681 (cited by Labcorp Genetics (formerly Invitae), Labcorp); PubMed 9536098 (cited by Labcorp Genetics (formerly Invitae), Labcorp).

NM_145046.5(CALR3):c.787-3C>G

Gene: CALR3 (calreticulin 3; minus strand). Cytogenetic location: 19p13.11.
Variant type: single nucleotide variant.
Coding change: c.787-3C>G on transcript NM_145046.5 (MANE Select); 3 bases into the intron before coding-DNA position 787, C replaced by G.
Molecular consequence: intron variant.
Genome position (GRCh38, 1-based): chr19:16,482,584, G>C on the plus strand (C>G on the coding strand, the complement: CALR3 is on the minus strand). VCF-style: chr19-16482584-G-C. GRCh37 (hg19) VCF-style: chr19-16593395-G-C.
Identifiers: ClinVar variation 575883 (VCV000575883.21), dbSNP rs201265595, ClinGen allele CA9278272.